The following is an entry in ClinVar:

NM_007186.6(CEP250):c.3458A>C (p.Gln1153Pro)

Gene: CEP250 (centrosomal protein 250; plus strand). Cytogenetic location: 20q11.22.
Variant type: single nucleotide variant.
Coding change: c.3458A>C on transcript NM_007186.6 (MANE Select); coding-DNA position 3458, A replaced by C.
Protein change: p.Gln1153Pro; replaces glutamine 1153 with proline.
Molecular consequence: missense variant.
Genome position (GRCh38, 1-based): chr20:35,497,870, A>C. VCF-style: chr20-35497870-A-C. GRCh37 (hg19) VCF-style: chr20-34085699-A-C.
Other names: c.1562A>C, p.Gln521Pro (NM_001318219.1); short protein forms Q1153P, Q521P.
Identifiers: ClinVar variation 1966708 (VCV001966708.5), dbSNP rs372820835, ClinGen allele CA314156517.

ClinVar aggregate classification (germline): Uncertain significance (1 of 4 stars; one submission).

Allele frequency attached by ClinVar (database versions not stated): gnomAD 0.00001; ESP Exome Variant Server 0.00008.
gnomAD v4.1: 4 of 1,596,986 alleles (0.00025%); highest among the groups gnomAD compares: Non-Finnish European, 0.00026%; no homozygotes.

Submission:

Labcorp Genetics (formerly Invitae), Labcorp
Classification: Uncertain significance. Last evaluated: 2022-05-14. Review status: criteria provided, single submitter. Criteria: Invitae Variant Classification Sherloc (09022015). Collection method: clinical testing. Allele origin: germline.
Comment: In summary, the available evidence is currently insufficient to determine the role of this variant in disease. Therefore, it has been classified as a Variant of Uncertain Significance. Algorithms developed to predict the effect of missense changes on protein structure and function are either unavailable or do not agree on the potential impact of this missense change (SIFT: "Not Available"; PolyPhen-2: "Probably Damaging"; Align-GVGD: "Not Available"). This variant has not been reported in the literature in individuals affected with CEP250-related conditions. This variant is present in population databases (rs372820835, gnomAD 0.002%). This sequence change replaces glutamine, which is neutral and polar, with proline, which is neutral and non-polar, at codon 1153 of the CEP250 protein (p.Gln1153Pro).